The following is an entry in ClinVar:

NM_000557.5(GDF5):c.1436T>C (p.Ile479Thr)

Genes: GDF5 (growth differentiation factor 5; minus strand), GDF5-AS1 (GDF5 antisense RNA 1; plus strand). Cytogenetic location: 20q11.22.
Variant type: single nucleotide variant.
Coding change: c.1436T>C on transcript NM_000557.5 (MANE Select); coding-DNA position 1436, T replaced by C.
Protein change: p.Ile479Thr; replaces isoleucine 479 with threonine.
Molecular consequence: missense variant. On other transcripts: non-coding transcript variant (1).
Genome position (GRCh38, 1-based): chr20:35,433,979, A>G on the plus strand (T>C on the coding strand, the complement: GDF5 is on the minus strand). VCF-style: chr20-35433979-A-G. GRCh37 (hg19) VCF-style: chr20-34021777-A-G.
Other names: c.1436T>C, p.Ile479Thr (NM_001319138.2); short protein forms I479T.
Identifiers: ClinVar variation 3698990 (VCV003698990.2).

ClinVar aggregate classification (germline): Uncertain significance (1 of 4 stars; one submission).

gnomAD v4.1: 9 of 1,614,014 alleles (0.00056%); highest among the groups gnomAD compares: Non-Finnish European, 0.00068%; no homozygotes.

Submission:

Labcorp Genetics (formerly Invitae), Labcorp
Classification: Uncertain significance. Last evaluated: 2024-10-30. Review status: criteria provided, single submitter. Criteria: Invitae Variant Classification Sherloc (09022015). Collection method: clinical testing. Allele origin: germline.
Comment: This sequence change replaces isoleucine, which is neutral and non-polar, with threonine, which is neutral and polar, at codon 479 of the GDF5 protein (p.Ile479Thr). This variant is not present in population databases (gnomAD no frequency). This variant has not been reported in the literature in individuals affected with GDF5-related conditions. Invitae Evidence Modeling of protein sequence and biophysical properties (such as structural, functional, and spatial information, amino acid conservation, physicochemical variation, residue mobility, and thermodynamic stability) indicates that this missense variant is not expected to disrupt GDF5 protein function with a negative predictive value of 80%. In summary, the available evidence is currently insufficient to determine the role of this variant in disease. Therefore, it has been classified as a Variant of Uncertain Significance.